The following is an entry in ClinVar:

NM_001365951.3(KIF1B):c.979A>G (p.Met327Val)

Gene: KIF1B (kinesin family member 1B; plus strand). Cytogenetic location: 1p36.22.
Variant type: single nucleotide variant.
Coding change: c.979A>G on transcript NM_001365951.3 (MANE Select); coding-DNA position 979, A replaced by G.
Protein change: p.Met327Val; replaces methionine 327 with valine.
Molecular consequence: missense variant.
Genome position (GRCh38, 1-based): chr1:10,276,341, A>G. VCF-style: chr1-10276341-A-G. GRCh37 (hg19) VCF-style: chr1-10336399-A-G.
Other names: c.979A>G, p.Met327Val (NM_001365952.1); c.961A>G, p.Met321Val (NM_001365953.1, NM_015074.3, NM_183416.4); short protein forms M327V, M321V.
Identifiers: ClinVar variation 1767588 (VCV001767588.5), dbSNP rs768481583, ClinGen allele CA580860.

ClinVar aggregate classification (germline): Uncertain significance. Review status: criteria provided, multiple submitters, no conflicts (2 of 4 stars). 2 submissions from 2 submitters: Uncertain significance (2). Last evaluated 2024-02-10.

Conditions:
Charcot-Marie-Tooth disease type 2. Also called: Charcot-Marie-Tooth type 2. Identifiers: Orphanet 64746, MedGen C0270914, MONDO:0018993.

Allele frequency attached by ClinVar (database versions not stated): gnomAD exomes 0.00001; TOPMed below 0.00001; ExAC 0.00001; gnomAD 0.00001.
gnomAD v4.1: 9 of 1,613,808 alleles (0.00056%); highest among the groups gnomAD compares: Non-Finnish European, 0.00059%; no homozygotes.

Submissions (2):

Ambry Genetics
Classification: Uncertain significance. Last evaluated: 2024-02-10. Review status: criteria provided, single submitter. Criteria: Ambry Variant Classification Scheme 2023. Collection method: clinical testing. Allele origin: germline.
Comment: The p.M321V variant (also known as c.961A>G), located in coding exon 10 of the KIF1B gene, results from an A to G substitution at nucleotide position 961. The methionine at codon 321 is replaced by valine, an amino acid with highly similar properties. This amino acid position is conserved. In addition, this alteration is predicted to be deleterious by in silico analysis. Since supporting evidence is limited at this time, the clinical significance of this alteration remains unclear.

Labcorp Genetics (formerly Invitae), Labcorp
Classification: Uncertain significance for Charcot-Marie-Tooth disease type 2. Last evaluated: 2023-02-24. Review status: criteria provided, single submitter. Criteria: Invitae Variant Classification Sherloc (09022015). Collection method: clinical testing. Allele origin: germline.
Comment: This sequence change replaces methionine, which is neutral and non-polar, with valine, which is neutral and non-polar, at codon 321 of the KIF1B protein (p.Met321Val). This variant is present in population databases (rs768481583, gnomAD 0.0009%). This variant has not been reported in the literature in individuals affected with KIF1B-related conditions. ClinVar contains an entry for this variant (Variation ID: 1767588). Advanced modeling of protein sequence and biophysical properties (such as structural, functional, and spatial information, amino acid conservation, physicochemical variation, residue mobility, and thermodynamic stability) performed at Invitae indicates that this missense variant is expected to disrupt KIF1B protein function. In summary, the available evidence is currently insufficient to determine the role of this variant in disease. Therefore, it has been classified as a Variant of Uncertain Significance.